The following is an entry in ClinVar:

ClinVar aggregate classification (germline): Pathogenic (1 of 4 stars; one submission).

Conditions:
Nemaline myopathy 2 (NEM2). Also called: Nemaline myopathy 2, autosomal recessive. Identifiers: MedGen C1850569, MONDO:0009725, OMIM 256030.

Submission:

Labcorp Genetics (formerly Invitae), Labcorp
Classification: Pathogenic for Nemaline myopathy 2. Last evaluated: 2020-12-26. Review status: criteria provided, single submitter. Criteria: Invitae Variant Classification Sherloc (09022015). Collection method: clinical testing. Allele origin: germline.
Comment: This sequence change creates a premature translational stop signal (p.Tyr6238*) in the NEB gene. It is expected to result in an absent or disrupted protein product. Loss-of-function variants in NEB are known to be pathogenic (PMID: 25205138). This variant is not present in population databases (ExAC no frequency). This variant has not been reported in the literature in individuals with NEB-related conditions. For these reasons, this variant has been classified as Pathogenic.

Literature cited by the submitters: PubMed 25205138.

NM_001164508.2(NEB):c.18714T>G (p.Tyr6238Ter)

Gene: NEB (nebulin; minus strand). Cytogenetic location: 2q23.3.
Variant type: single nucleotide variant.
Coding change: c.18714T>G on transcript NM_001164508.2 (MANE Select); coding-DNA position 18714, T replaced by G.
Protein change: p.Tyr6238Ter; replaces tyrosine 6238 with a stop codon.
Molecular consequence: nonsense.
Genome position (GRCh38, 1-based): chr2:151,562,788, A>C on the plus strand (T>G on the coding strand, the complement: NEB is on the minus strand). VCF-style: chr2-151562788-A-C. GRCh37 (hg19) VCF-style: chr2-152419302-A-C.
Other names: c.18714T>G, p.Tyr6238Ter (NM_001164507.2, NM_001271208.2); c.13611T>G, p.Tyr4537Ter (NM_004543.5); short protein forms Y6238*, Y4537*.
Identifiers: ClinVar variation 1415346 (VCV001415346.6), dbSNP rs2153712099, ClinGen allele CA348798423.